The following is an entry in ClinVar:

NM_001365536.1(SCN9A):c.428_444delinsG (p.Met143fs)

Gene: SCN9A (sodium voltage-gated channel alpha subunit 9; minus strand). Cytogenetic location: 2q24.3.
Variant type: Indel.
Coding change: c.428_444delinsG on transcript NM_001365536.1 (MANE Select); coding-DNA positions 428 to 444, TGACCATGAATAACCCA replaced by G.
Protein change: p.Met143fs; shifts the reading frame from methionine 143.
Molecular consequence: frameshift variant.
Genome position (GRCh38, 1-based): chr2:166,306,533-166,306,549, TGGGTTATTCATGGTCA replaced by C on the plus strand (TGACCATGAATAACCCA replaced by G on the coding strand, the reverse complement: SCN9A is on the minus strand). VCF-style: chr2-166306533-TGGGTTATTCATGGTCA-C. GRCh37 (hg19) VCF-style: chr2-167163043-TGGGTTATTCATGGTCA-C.
Other names: c.428_444del17insG, p.Met143Serfs (NM_002977.4); c.428_444del17insG (NM_002977.3); short protein forms M143fs.
Identifiers: ClinVar variation 817195 (VCV000817195.1), dbSNP rs1574906521, ClinGen allele CA915942915.

ClinVar aggregate classification (germline): Likely pathogenic (1 of 4 stars; one submission).

Submission:

GeneDx
Classification: Likely pathogenic. Last evaluated: 2018-08-10. Review status: criteria provided, single submitter. Criteria: GeneDx Variant Classification (06012015). Collection method: clinical testing. Allele origin: germline. Affected: yes.
Comment: The c.428_444del17insG variant in the SCN9A gene has not been reported previously as a pathogenic variant nor as a benign variant, to our knowledge. The c.428_444del17insG variant causes a frameshift starting with codon Methionine 143, changes this amino acid to a Serine residue, and creates a premature Stop codon at position 22 of the new reading frame, denoted p.Met143SerfsX22. This variant is predicted to cause loss of normal protein function either through protein truncation or nonsense-mediated mRNA decay. The c.428_444del17insG variant is not observed in large population cohorts (Lek et al., 2016). We interpret c.428_444del17insG as a likely pathogenic variant.